The following is an entry in ClinVar:

ClinVar aggregate classification (germline): Uncertain significance (1 of 4 stars; one submission).

Submission:

Labcorp Genetics (formerly Invitae), Labcorp
Classification: Uncertain significance. Last evaluated: 2025-07-29. Review status: criteria provided, single submitter. Criteria: Invitae Variant Classification Sherloc (09022015). Collection method: clinical testing. Allele origin: germline.
Comment: This sequence change replaces arginine, which is basic and polar, with histidine, which is basic and polar, at codon 21 of the RELB protein (p.Arg21His). This variant is not present in population databases (gnomAD no frequency). This variant has not been reported in the literature in individuals affected with RELB-related conditions. An algorithm developed to predict the effect of missense changes on protein structure and function (PolyPhen-2) suggests that this variant is likely to be tolerated. In summary, the available evidence is currently insufficient to determine the role of this variant in disease. Therefore, it has been classified as a Variant of Uncertain Significance.

NM_006509.4(RELB):c.62G>A (p.Arg21His)

Genes: RELB (RELB proto-oncogene, NF-kB subunit; plus strand), LOC130064661 (ATAC-STARR-seq lymphoblastoid silent region 10746; plus strand). Cytogenetic location: 19q13.32.
Variant type: single nucleotide variant.
Coding change: c.62G>A on transcript NM_006509.4 (MANE Select); coding-DNA position 62, G replaced by A.
Protein change: p.Arg21His; replaces arginine 21 with histidine.
Molecular consequence: missense variant.
Genome position (GRCh38, 1-based): chr19:45,001,641, G>A. VCF-style: chr19-45001641-G-A. GRCh37 (hg19) VCF-style: chr19-45504899-G-A.
Other names: c.62G>A, p.Arg21His (NM_001411087.1); short protein forms R21H.
Identifiers: ClinVar variation 4724263 (VCV004724263.1).